The following is an entry in ClinVar:

ClinVar aggregate classification (germline): Benign/Likely benign. Review status: criteria provided, multiple submitters, no conflicts (2 of 4 stars). 7 submissions from 7 submitters: Benign (1); Likely benign (5). 1 of the submissions does not count toward it. Last evaluated 2026-01-30.

Conditions:
AK2-related disorder. Also called: AK2-related condition.
Reticular dysgenesis. Also called: ALEUKOCYTOSIS; CONGENITAL ALEUKIA; HEMATOPOIETIC HYPOPLASIA, GENERALIZED; RETICULAR DYSGENESIA; SEVERE COMBINED IMMUNODEFICIENCY WITH LEUKOPENIA; DeVaal disease. Identifiers: Orphanet 33355, MedGen C0272167, MONDO:0009973, OMIM 267500.

Allele frequency attached by ClinVar (database versions not stated): gnomAD exomes 0.00034 and 0.00074; ExAC 0.00080; ESP Exome Variant Server 0.00192; gnomAD 0.00195 and 0.00208; TOPMed 0.00246; 1000 Genomes Project 30x 0.00328; 1000 Genomes Project 0.00339.
gnomAD v4.1: 830 of 1,612,324 alleles (0.051%); highest among the groups gnomAD compares: African/African-American, 0.61%; 3 homozygotes.

Submissions (7):

Women's Health and Genetics/Laboratory Corporation of America, LabCorp
Classification: Likely benign. Last evaluated: 2026-01-30. Review status: criteria provided, single submitter. Criteria: LabCorp Variant Classification Summary - May 2015. Collection method: clinical testing. Allele origin: germline.
Comment: Variant summary: AK2 c.460G>A (p.Glu154Lys) results in a conservative amino acid change in the encoded protein sequence. Algorithms developed to predict the effect of missense changes on protein structure and function are either unavailable or do not agree on the potential impact of this missense change. The variant allele was found at a frequency of 0.00074 in 251466 control chromosomes, predominantly at a frequency of 0.0065 within the African or African-American subpopulation in the gnomAD database. The observed variant frequency within African or African-American control individuals in the gnomAD database exceeds the estimated maximal expected allele frequency for disease-causing variants in AK2. To our knowledge, no occurrence of c.460G>A in individuals affected with AK2-related conditions and no experimental evidence demonstrating its impact on protein function have been reported. ClinVar contains an entry for this variant (Variation ID: 702342). Based on the evidence outlined above, the variant was classified as likely benign.

Labcorp Genetics (formerly Invitae), Labcorp
Classification: Likely benign for Reticular dysgenesis. Last evaluated: 2026-01-28. Review status: criteria provided, single submitter. Criteria: Invitae Variant Classification Sherloc (09022015). Collection method: clinical testing. Allele origin: germline.

Mayo Clinic Laboratories, Mayo Clinic
Classification: Likely benign. Last evaluated: 2025-02-26. Review status: criteria provided, single submitter. Criteria: ACMG Guidelines, 2015. Collection method: clinical testing. Allele origin: germline. Observed: 1 variant allele.
Comment: BS1, BP5

Blueprint Genetics
Classification: Likely benign. Last evaluated: 2024-11-22. Review status: criteria provided, single submitter. Criteria: ACMG Guidelines, 2015. Collection method: clinical testing. Allele origin: germline.

CeGaT Center for Human Genetics Tuebingen
Classification: Benign. Last evaluated: 2022-04-01. Review status: criteria provided, single submitter. Criteria: CeGaT Center For Human Genetics Tuebingen Variant Classification Criteria Version 2. Collection method: clinical testing. Allele origin: germline. Affected: yes. Observed: 1 variant allele.
Comment: AK2: BS1, BS2

Breakthrough Genomics
Classification: Likely benign. Review status: criteria provided, single submitter. Criteria: ACMG Guidelines, 2015. Collection method: not provided. Allele origin: germline. Inheritance: Autosomal recessive inheritance. Affected: yes.

PreventionGenetics, part of Exact Sciences
Classification: Likely benign for AK2-related condition. Last evaluated: 2020-03-16. Review status: no assertion criteria provided. Collection method: clinical testing. Allele origin: germline. Not counted in ClinVar's aggregate classification.
Comment: This variant is classified as likely benign based on ACMG/AMP sequence variant interpretation guidelines (Richards et al. 2015 PMID: 25741868, with internal and published modifications).

NM_001625.4(AK2):c.460G>A (p.Glu154Lys)

Gene: AK2 (adenylate kinase 2; minus strand). Cytogenetic location: 1p35.1.
Variant type: single nucleotide variant.
Coding change: c.460G>A on transcript NM_001625.4 (MANE Select); coding-DNA position 460, G replaced by A.
Protein change: p.Glu154Lys; replaces glutamic acid 154 with lysine.
Molecular consequence: missense variant. On other transcripts: non-coding transcript variant (1).
Genome position (GRCh38, 1-based): chr1:33,014,560, C>T on the plus strand (G>A on the coding strand, the complement: AK2 is on the minus strand). VCF-style: chr1-33014560-C-T. GRCh37 (hg19) VCF-style: chr1-33480161-C-T.
Other names: p.Glu154Lys; c.436G>A, p.Glu146Lys (NM_001199199.3); c.316G>A, p.Glu106Lys (NM_001319139.3, NM_001319140.2); c.460G>A, p.Glu154Lys (NM_001319141.3, NM_013411.5); c.334G>A, p.Glu112Lys (NM_001319142.3); c.365G>A, p.Arg122Gln (NM_001319143.2); short protein forms E106K, E112K, E154K, E146K, R122Q.
Identifiers: ClinVar variation 702342 (VCV000702342.39), dbSNP rs148421308, ClinGen allele CA747116.